The following is an entry in ClinVar:

NM_000548.5(TSC2):c.5353A>C (p.Thr1785Pro)

Gene: TSC2 (TSC complex subunit 2; plus strand). Cytogenetic location: 16p13.3.
Variant type: single nucleotide variant.
Coding change: c.5353A>C on transcript NM_000548.5 (MANE Select); coding-DNA position 5353, A replaced by C.
Protein change: p.Thr1785Pro; replaces threonine 1785 with proline.
Molecular consequence: missense variant.
Genome position (GRCh38, 1-based): chr16:2,088,539, A>C. VCF-style: chr16-2088539-A-C. GRCh37 (hg19) VCF-style: chr16-2138540-A-C.
Other names: c.5152A>C, p.Thr1718Pro (NM_001077183.3); c.5284A>C, p.Thr1762Pro (NM_001114382.3); c.5044A>C, p.Thr1682Pro (NM_001318827.2); c.5008A>C, p.Thr1670Pro (NM_001318829.2); c.4621A>C, p.Thr1541Pro (NM_001318831.2); c.5185A>C, p.Thr1729Pro (NM_001318832.2); c.5155A>C, p.Thr1719Pro (NM_001363528.2); c.5221A>C, p.Thr1741Pro (NM_001370404.1); and 2 more; short protein forms T1541P, T1682P, T1738P, T1670P, T1719P, T1741P, T1718P, T1729P.
Identifiers: ClinVar variation 855031 (VCV000855031.9), dbSNP rs1555441455, ClinGen allele CA394315744.
Genomic context (GRCh38, chr16:2,088,539, plus strand): 5'-CTACCTCTGGTGCACCCTCCGTCCCATAGCAAAGCCCCTGCACAGACTCCAGCCGAGCCC[A>C]CACCTGGCTATGAGGTGGGCCAGCGGAAGCGCCTCATCTCCTCGGTGGAGGACTTCACCG-3'
Protein context (NP_000539.2, residues 1775-1795): KAPAQTPAEP[Thr1785Pro]PGYEVGQRKR

ClinVar aggregate classification (germline): Uncertain significance (1 of 4 stars; one submission).

Conditions:
Tuberous sclerosis 2 (TSC2). Identifiers: Orphanet 805, MedGen C1860707, MONDO:0013199, OMIM 613254.

Submission:

Labcorp Genetics (formerly Invitae), Labcorp
Classification: Uncertain significance for Tuberous sclerosis 2. Last evaluated: 2019-01-26. Review status: criteria provided, single submitter. Criteria: Invitae Variant Classification Sherloc (09022015). Collection method: clinical testing. Allele origin: germline.
Comment: This sequence change replaces threonine with proline at codon 1785 of the TSC2 protein (p.Thr1785Pro). The threonine residue is weakly conserved and there is a small physicochemical difference between threonine and proline. This variant is not present in population databases (ExAC no frequency). This variant has not been reported in the literature in individuals with TSC2-related conditions. Algorithms developed to predict the effect of missense changes on protein structure and function (SIFT, PolyPhen-2, Align-GVGD) all suggest that this variant is likely to be tolerated, but these predictions have not been confirmed by published functional studies and their clinical significance is uncertain. In summary, the available evidence is currently insufficient to determine the role of this variant in disease. Therefore, it has been classified as a Variant of Uncertain Significance.